The following is an entry in ClinVar:

NM_139076.3(ABRAXAS1):c.787C>G (p.Gln263Glu)

Gene: ABRAXAS1 (abraxas 1, BRCA1 A complex subunit; minus strand). Cytogenetic location: 4q21.23.
Variant type: single nucleotide variant.
Coding change: c.787C>G on transcript NM_139076.3 (MANE Select); coding-DNA position 787, C replaced by G.
Protein change: p.Gln263Glu; replaces glutamine 263 with glutamic acid.
Molecular consequence: missense variant.
Genome position (GRCh38, 1-based): chr4:83,463,503, G>C on the plus strand (C>G on the coding strand, the complement: ABRAXAS1 is on the minus strand). VCF-style: chr4-83463503-G-C. GRCh37 (hg19) VCF-style: chr4-84384656-G-C.
Other names: c.460C>G, p.Gln154Glu (NM_001345962.2); short protein forms Q154E, Q263E.
Identifiers: ClinVar variation 1023061 (VCV001023061.11), dbSNP rs199541299, ClinGen allele CA2990454.
Genomic context (GRCh38, chr4:83,463,503, plus strand): 5'-AAATAAATAAAAATTTTTAGCACAGAAAGTAGAGATGTGTTGTTTACTTACTTGCTGCCT[G>C]AATCTGTGCTCCTCTCCTTTTCTCAATTTCTCGTTTTAATCTGTTTACATCCTTTACTAG-3'
Protein context (NP_620775.2, residues 253-273): EIEKRRGAQI[Gln263Glu]AAREKNIQKD

ClinVar aggregate classification (germline): Conflicting classifications of pathogenicity. Review status: criteria provided, conflicting classifications (1 of 4 stars). 2 submissions from 2 submitters: Uncertain significance (1); Likely benign (1). Last evaluated 2024-03-25.

Allele frequency attached by ClinVar (database versions not stated): gnomAD exomes below 0.00001; ExAC 0.00001; gnomAD 0.00001; 1000 Genomes Project 30x 0.00016; 1000 Genomes Project 0.00020.
gnomAD v4.1: 3 of 1,598,888 alleles (0.00019%); highest among the groups gnomAD compares: East Asian, 0.0022%; no homozygotes.

Submissions (2):

Ambry Genetics
Classification: Likely benign. Last evaluated: 2024-03-25. Review status: criteria provided, single submitter. Criteria: Ambry Variant Classification Scheme 2023. Collection method: clinical testing. Allele origin: germline.

Labcorp Genetics (formerly Invitae), Labcorp
Classification: Uncertain significance. Last evaluated: 2020-07-31. Review status: criteria provided, single submitter. Criteria: Invitae Variant Classification Sherloc (09022015). Collection method: clinical testing. Allele origin: germline.
Comment: In summary, the available evidence is currently insufficient to determine the role of this variant in disease. Therefore, it has been classified as a Variant of Uncertain Significance. Algorithms developed to predict the effect of missense changes on protein structure and function output the following: SIFT: "Tolerated"; PolyPhen-2: "Benign"; Align-GVGD: "Class C0". The glutamic acid amino acid residue is found in multiple mammalian species, suggesting that this missense change does not adversely affect protein function. These predictions have not been confirmed by published functional studies and their clinical significance is uncertain. This variant has not been reported in the literature in individuals with ABRAXAS1-related conditions. This variant is present in population databases (rs199541299, ExAC 0.01%). This sequence change replaces glutamine with glutamic acid at codon 263 of the ABRAXAS1 protein (p.Gln263Glu). The glutamine residue is moderately conserved and there is a small physicochemical difference between glutamine and glutamic acid.